The following is an entry in ClinVar:

ClinVar aggregate classification (germline): Uncertain significance (1 of 4 stars; one submission).

Conditions:
Wilms tumor 1 (WT1). Also called: Wilms tumor, somatic. Identifiers: Orphanet 654, MedGen CN033288, MONDO:0008679, OMIM 194070.

Submission:

Color Diagnostics, LLC DBA Color Health
Classification: Uncertain significance for Wilms tumor 1. Last evaluated: 2025-07-16. Review status: criteria provided, single submitter. Criteria: ACMG Guidelines, 2015. Collection method: clinical testing. Allele origin: germline.
Comment: This missense variant replaces methionine with threonine at codon 297 of the WT1 protein. Computational prediction suggests that this variant may have deleterious impact on protein structure and function. To our knowledge, functional studies have not been reported for this variant. This variant has not been reported in individuals affected with WT1-related disorders in the literature. This variant has been identified in 1/251282 chromosomes in the general population by the Genome Aggregation Database (gnomAD). The available evidence is insufficient to determine the role of this variant in disease conclusively. Therefore, this variant is classified as a Variant of Uncertain Significance.

NM_024426.6(WT1):c.905T>C (p.Met302Thr)

Gene: WT1 (WT1 transcription factor; minus strand). Cytogenetic location: 11p13.
Variant type: single nucleotide variant.
Coding change: c.905T>C on transcript NM_024426.6 (MANE Select); coding-DNA position 905, T replaced by C.
Protein change: p.Met302Thr; replaces methionine 302 with threonine.
Molecular consequence: missense variant. On other transcripts: non-coding transcript variant (2).
Genome position (GRCh38, 1-based): chr11:32,417,637, A>G on the plus strand (T>C on the coding strand, the complement: WT1 is on the minus strand). VCF-style: chr11-32417637-A-G. GRCh37 (hg19) VCF-style: chr11-32439183-A-G.
Other names: c.905T>C, p.Met302Thr (NM_000378.6, NM_001407044.1, NM_001407045.1 and 4 more transcripts); c.254T>C, p.Met85Thr (NM_001198551.2, NM_001198552.2); c.782T>C, p.Met261Thr (NM_001407047.1, NM_001407050.1); c.143T>C, p.Met48Thr (NM_001407051.1); c.686T>C, p.Met229Thr (NM_001429031.1, NM_001429032.1, NM_001429033.1 and 1 more transcripts); short protein forms M229T, M261T, M297T, M302T, M48T, M85T.
Identifiers: ClinVar variation 4757522 (VCV004757522.1).
Genomic context (GRCh38, chr11:32,417,637, plus strand): 5'-CCCTTTAAGGTGGCTCCTAAGTTCATCTGATTCCAGGTCATGCATTCAAGCTGGGATGTC[A>G]TTTGGTATAAATTGTCACTGTTAGAAAAACATCTAGAGTTAGAAACACATAACCACAAAA-3'
Protein context (NP_077744.4, residues 292-312): TPYSSDNLYQ[Met302Thr]TSQLECMTWN